The following is an entry in ClinVar:

NM_001374736.1(DST):c.13933A>G (p.Ser4645Gly)

Gene: DST (dystonin; minus strand). Cytogenetic location: 6p12.1.
Variant type: single nucleotide variant.
Coding change: c.13933A>G on transcript NM_001374736.1 (MANE Select); coding-DNA position 13933, A replaced by G.
Protein change: p.Ser4645Gly; replaces serine 4645 with glycine.
Molecular consequence: missense variant.
Genome position (GRCh38, 1-based): chr6:56,568,541, T>C on the plus strand (A>G on the coding strand, the complement: DST is on the minus strand). VCF-style: chr6-56568541-T-C. GRCh37 (hg19) VCF-style: chr6-56433339-T-C.
Other names: c.7576A>G, p.Ser2526Gly (NM_001144769.5); c.7162A>G, p.Ser2388Gly (NM_001144770.2); c.13933A>G, p.Ser4645Gly (NM_001374722.1); c.13300A>G, p.Ser4434Gly (NM_001374729.1); c.7042A>G, p.Ser2348Gly (NM_001374730.1, NM_001386100.1, NM_183380.4); c.13960A>G, p.Ser4654Gly (NM_001374734.1); c.6064A>G, p.Ser2022Gly (NM_015548.5); short protein forms S2388G, S4645G, S2348G, S4654G, S2022G, S2526G, S4434G.
Identifiers: ClinVar variation 2039440 (VCV002039440.4), dbSNP rs756523516, ClinGen allele CA3868137.

ClinVar aggregate classification (germline): Uncertain significance (1 of 4 stars; one submission).

Conditions:
Hereditary sensory and autonomic neuropathy type 6. Also called: HSAN VI; Neuropathy, hereditary sensory and autonomic, type VI. Identifiers: Orphanet 314381, MedGen C3539003, MONDO:0013839, OMIM 614653.
Epidermolysis bullosa simplex 3, localized or generalized intermediate, with BP230 deficiency (EBS3). Also called: Epidermolysis bullosa simplex, autosomal recessive 2; Epidermolysis bullosa simplex due to BP230 deficiency. Identifiers: Orphanet 412181, MedGen C3809470, MONDO:0014180, OMIM 615425.

Allele frequency attached by ClinVar (database versions not stated): gnomAD exomes below 0.00001; ExAC 0.00001.
gnomAD v4.1: 1 of 1,612,830 alleles (0.000062%); highest among the groups gnomAD compares: Non-Finnish European, 0.000085%; no homozygotes.

Submission:

Labcorp Genetics (formerly Invitae), Labcorp
Classification: Uncertain significance for Epidermolysis bullosa simplex 3, localized or generalized intermediate, with BP230 deficiency; Hereditary sensory and autonomic neuropathy type 6. Last evaluated: 2022-08-09. Review status: criteria provided, single submitter. Criteria: Invitae Variant Classification Sherloc (09022015). Collection method: clinical testing. Allele origin: germline.
Comment: This sequence change replaces serine, which is neutral and polar, with glycine, which is neutral and non-polar, at codon 2022 of the DST protein (p.Ser2022Gly). This variant is present in population databases (rs756523516, gnomAD 0.0009%). This variant has not been reported in the literature in individuals affected with DST-related conditions. Experimental studies and prediction algorithms are not available or were not evaluated, and the functional significance of this variant is currently unknown. In summary, the available evidence is currently insufficient to determine the role of this variant in disease. Therefore, it has been classified as a Variant of Uncertain Significance. The DST gene has multiple clinically relevant transcripts. This variant occurs in alternate transcript NM_015548.4, and corresponds to NM_001723.5:c.*46976A>G in the primary transcript.